The following is an entry in ClinVar:

NM_005050.4(ABCD4):c.20C>T (p.Ala7Val)

Gene: ABCD4 (ATP binding cassette subfamily D member 4; minus strand). Cytogenetic location: 14q24.3.
Variant type: single nucleotide variant.
Coding change: c.20C>T on transcript NM_005050.4 (MANE Select); coding-DNA position 20, C replaced by T.
Protein change: p.Ala7Val; replaces alanine 7 with valine.
Molecular consequence: missense variant. On other transcripts: 5 prime UTR variant (19), non-coding transcript variant (10).
Genome position (GRCh38, 1-based): chr14:74,302,893, G>A on the plus strand (C>T on the coding strand, the complement: ABCD4 is on the minus strand). VCF-style: chr14-74302893-G-A. GRCh37 (hg19) VCF-style: chr14-74769596-G-A.
Other names: c.20C>T, p.Ala7Val (NM_001353591.2, NM_001353592.2, NM_020325.3); c.-123C>T (NM_001353593.2, NM_001353594.2); c.-390C>T (NM_001353595.2); c.-262C>T (NM_001353596.2, NM_001353597.2); c.-211C>T (NM_001353598.2); c.-318C>T (NM_001353599.2, NM_020324.3); c.-330C>T (NM_001353600.2); c.-190C>T (NM_001353601.2); and 6 more; short protein forms A7V.
Identifiers: ClinVar variation 1379426 (VCV001379426.7), dbSNP rs763842574, ClinGen allele CA7267367.

ClinVar aggregate classification (germline): Uncertain significance. Review status: criteria provided, multiple submitters, no conflicts (2 of 4 stars). 2 submissions from 2 submitters: Uncertain significance (2). Last evaluated 2025-02-24.

Conditions:
Methylmalonic acidemia with homocystinuria, type cblJ (MAHCJ). Also called: METHYLMALONIC ACIDURIA AND HOMOCYSTINURIA, cblJ TYPE. Identifiers: Orphanet 369955, MedGen C3553915, MONDO:0013925, OMIM 614857.

Allele frequency attached by ClinVar (database versions not stated): gnomAD exomes 0.00001 and 0.00003; ExAC 0.00002; gnomAD 0.00002; TOPMed 0.00003.
gnomAD v4.1: 11 of 1,606,496 alleles (0.00068%); highest among the groups gnomAD compares: Admixed American, 0.01%; no homozygotes.

Submissions (2):

Labcorp Genetics (formerly Invitae), Labcorp
Classification: Uncertain significance for Methylmalonic acidemia with homocystinuria, type cblJ. Last evaluated: 2025-02-24. Review status: criteria provided, single submitter. Criteria: Invitae Variant Classification Sherloc (09022015). Collection method: clinical testing. Allele origin: germline.
Comment: This sequence change replaces alanine, which is neutral and non-polar, with valine, which is neutral and non-polar, at codon 7 of the ABCD4 protein (p.Ala7Val). This variant is present in population databases (rs763842574, gnomAD 0.02%). This variant has not been reported in the literature in individuals affected with ABCD4-related conditions. ClinVar contains an entry for this variant (Variation ID: 1379426). Invitae Evidence Modeling of protein sequence and biophysical properties (such as structural, functional, and spatial information, amino acid conservation, physicochemical variation, residue mobility, and thermodynamic stability) indicates that this missense variant is not expected to disrupt ABCD4 protein function with a negative predictive value of 95%. In summary, the available evidence is currently insufficient to determine the role of this variant in disease. Therefore, it has been classified as a Variant of Uncertain Significance.

Fulgent Genetics
Classification: Uncertain significance for Methylmalonic acidemia with homocystinuria, type cblJ. Last evaluated: 2021-10-07. Review status: criteria provided, single submitter. Criteria: ACMG Guidelines, 2015. Collection method: clinical testing. Allele origin: unknown.